The following is an entry in ClinVar:

ClinVar aggregate classification (germline): Uncertain significance (1 of 4 stars; one submission).

Allele frequency attached by ClinVar (database versions not stated): gnomAD exomes below 0.00001; gnomAD 0.00001.
gnomAD v4.1: 8 of 1,613,906 alleles (0.0005%); highest among the groups gnomAD compares: African/African-American, 0.0013%; no homozygotes.

Submission:

Labcorp Genetics (formerly Invitae), Labcorp
Classification: Uncertain significance. Last evaluated: 2025-12-08. Review status: criteria provided, single submitter. Criteria: Invitae Variant Classification Sherloc (09022015). Collection method: clinical testing. Allele origin: germline.
Comment: This sequence change replaces valine, which is neutral and non-polar, with alanine, which is neutral and non-polar, at codon 1423 of the C5 protein (p.Val1423Ala). This variant is not present in population databases (gnomAD no frequency). This variant has not been reported in the literature in individuals affected with C5-related conditions. ClinVar contains an entry for this variant (Variation ID: 1490453). Invitae Evidence Modeling of protein sequence and biophysical properties (such as structural, functional, and spatial information, amino acid conservation, physicochemical variation, residue mobility, and thermodynamic stability) indicates that this missense variant is expected to disrupt C5 protein function with a positive predictive value of 80%. In summary, the available evidence is currently insufficient to determine the role of this variant in disease. Therefore, it has been classified as a Variant of Uncertain Significance.

NM_001735.3(C5):c.4268T>C (p.Val1423Ala)

Gene: C5 (complement C5; minus strand). Cytogenetic location: 9q33.2.
Variant type: single nucleotide variant.
Coding change: c.4268T>C on transcript NM_001735.3 (MANE Select); coding-DNA position 4268, T replaced by C.
Protein change: p.Val1423Ala; replaces valine 1423 with alanine.
Molecular consequence: missense variant.
Genome position (GRCh38, 1-based): chr9:120,963,691, A>G on the plus strand (T>C on the coding strand, the complement: C5 is on the minus strand). VCF-style: chr9-120963691-A-G. GRCh37 (hg19) VCF-style: chr9-123725969-A-G.
Other names: c.4286T>C, p.Val1429Ala (NM_001317163.2); short protein forms V1423A, V1429A.
Identifiers: ClinVar variation 1490453 (VCV001490453.8), dbSNP rs2046844969, ClinGen allele CA374748686.